The following is an entry in ClinVar:

ClinVar aggregate classification (germline): Conflicting classifications of pathogenicity. Review status: criteria provided, conflicting classifications (1 of 4 stars). 2 submissions from 2 submitters: Likely pathogenic (1); Uncertain significance (1). Last evaluated 2025-03-06.

Conditions:
Snijders Blok-Campeau syndrome. Also called: INTELLECTUAL DEVELOPMENTAL DISORDER WITH MACROCEPHALY, SPEECH DELAY, AND DYSMORPHIC FACIES. Identifiers: Orphanet 599082, MedGen C4748701, MONDO:0032600, OMIM 618205.

Submissions (2):

3billion
Classification: Uncertain significance for Snijders Blok-Campeau syndrome. Last evaluated: 2025-03-06. Review status: criteria provided, single submitter. Criteria: ACMG Guidelines, 2015. Collection method: clinical testing. Allele origin: germline. Affected: yes.

Institute of Human Genetics, University of Leipzig Medical Center
Classification: Likely pathogenic for Snijders Blok-Campeau syndrome. Last evaluated: 2025-03-04. Review status: criteria provided, single submitter. Criteria: ACMG Guidelines, 2015. Collection method: clinical testing. Allele origin: de novo. Inheritance: Autosomal dominant inheritance. Affected: yes.
Comment: Criteria applied: PM5_STR,PM2_SUP,PP2,PP3,PS2_MOD

Literature cited by the submitters: PubMed 30397230 (cited by 3billion).

NM_001005273.3(CHD3):c.3560G>A (p.Arg1187His)

Gene: CHD3 (chromodomain helicase DNA binding protein 3; plus strand). Cytogenetic location: 17p13.1.
Variant type: single nucleotide variant.
Coding change: c.3560G>A on transcript NM_001005273.3 (MANE Select); coding-DNA position 3560, G replaced by A.
Protein change: p.Arg1187His; replaces arginine 1187 with histidine.
Molecular consequence: missense variant.
Genome position (GRCh38, 1-based): chr17:7,903,336, G>A. VCF-style: chr17-7903336-G-A. GRCh37 (hg19) VCF-style: chr17-7806654-G-A.
Other names: c.3737G>A, p.Arg1246His (NM_001005271.3); c.3560G>A, p.Arg1187His (NM_005852.4); short protein forms R1187H, R1246H.
Identifiers: ClinVar variation 3359077 (VCV003359077.4).